The following is an entry in ClinVar:

NM_002249.6(KCNN3):c.1314G>T (p.Gly438=)

Gene: KCNN3 (potassium calcium-activated channel subfamily N member 3; minus strand). Cytogenetic location: 1q21.3.
Variant type: single nucleotide variant.
Coding change: c.1314G>T on transcript NM_002249.6 (MANE Select); coding-DNA position 1314, G replaced by T.
Protein change: p.Gly438=; no amino-acid change (glycine 438 retained).
Molecular consequence: synonymous variant.
Genome position (GRCh38, 1-based): chr1:154,772,109, C>A on the plus strand (G>T on the coding strand, the complement: KCNN3 is on the minus strand). VCF-style: chr1-154772109-C-A. GRCh37 (hg19) VCF-style: chr1-154744585-C-A.
Other names: c.1314G>T, p.Gly438= (NM_001204087.2); c.375G>T, p.Gly125= (NM_001365837.1, NM_001365838.1); c.399G>T, p.Gly133= (NM_170782.3).
Identifiers: ClinVar variation 4873157 (VCV004873157.2).

ClinVar aggregate classification (germline): Likely benign (1 of 4 stars; one submission).

Submission:

CeGaT Center for Human Genetics Tuebingen
Classification: Likely benign. Last evaluated: 2026-05-01. Review status: criteria provided, single submitter. Criteria: CeGaT Center For Human Genetics Tuebingen Variant Classification Criteria Version 2. Collection method: clinical testing. Allele origin: germline. Affected: yes. Observed: 1 variant allele.
Comment: KCNN3: PM2:Supporting, BP4, BP7